The following is an entry in ClinVar:

ClinVar aggregate classification (germline): Likely pathogenic (1 of 4 stars; one submission).

Allele frequency attached by ClinVar (database versions not stated): gnomAD exomes below 0.00001; gnomAD 0.00001.
gnomAD v4.1: 5 of 1,603,268 alleles (0.00031%); highest among the groups gnomAD compares: African/African-American, 0.004%; no homozygotes.

Submission:

Labcorp Genetics (formerly Invitae), Labcorp
Classification: Likely pathogenic. Last evaluated: 2022-10-31. Review status: criteria provided, single submitter. Criteria: Invitae Variant Classification Sherloc (09022015). Collection method: clinical testing. Allele origin: germline.
Comment: In summary, the currently available evidence indicates that the variant is pathogenic, but additional data are needed to prove that conclusively. Therefore, this variant has been classified as Likely Pathogenic. Algorithms developed to predict the effect of sequence changes on RNA splicing suggest that this variant may disrupt the consensus splice site. ClinVar contains an entry for this variant (Variation ID: 940644). This variant has not been reported in the literature in individuals affected with LAMA3-related conditions. This variant is present in population databases (no rsID available, gnomAD 0.007%). This sequence change affects an acceptor splice site in intron 1 of the LAMA3 gene. It is expected to disrupt RNA splicing. Variants that disrupt the donor or acceptor splice site typically lead to a loss of protein function (PMID: 16199547), and loss-of-function variants in LAMA3 are known to be pathogenic (PMID: 10366601, 11810295, 12915477, 16473856, 17362460, 22434185, 23869449, 27827380, 28087116).

Literature cited by the submitters: PubMed 16199547; PubMed 10366601; PubMed 11810295; PubMed 12915477; PubMed 16473856; PubMed 17362460; PubMed 22434185; PubMed 23869449; PubMed 27827380; PubMed 28087116.

NM_198129.4(LAMA3):c.4999-1G>A

Gene: LAMA3 (laminin subunit alpha 3; plus strand). Cytogenetic location: 18q11.2.
Variant type: single nucleotide variant.
Coding change: c.4999-1G>A on transcript NM_198129.4 (MANE Select); the canonical splice acceptor site of the intron before coding-DNA position 4999, G replaced by A.
Molecular consequence: splice acceptor variant.
Genome position (GRCh38, 1-based): chr18:23,876,293, G>A. VCF-style: chr18-23876293-G-A. GRCh37 (hg19) VCF-style: chr18-21456257-G-A.
Other names: c.4999-1G>A (NM_001127717.4); c.172-1G>A (NM_000227.6, NM_001127718.4).
Identifiers: ClinVar variation 940644 (VCV000940644.8), dbSNP rs1327684674, ClinGen allele CA402044846.